The following is an entry in ClinVar:

NM_001040142.2(SCN2A):c.3155G>A (p.Cys1052Tyr)

Gene: SCN2A (sodium voltage-gated channel alpha subunit 2; plus strand). Cytogenetic location: 2q24.3.
Variant type: single nucleotide variant.
Coding change: c.3155G>A on transcript NM_001040142.2 (MANE Select); coding-DNA position 3155, G replaced by A.
Protein change: p.Cys1052Tyr; replaces cysteine 1052 with tyrosine.
Molecular consequence: missense variant.
Genome position (GRCh38, 1-based): chr2:165,354,427, G>A. VCF-style: chr2-165354427-G-A. GRCh37 (hg19) VCF-style: chr2-166210937-G-A.
Other names: c.3155G>A, p.Cys1052Tyr (NM_001040143.2, NM_001371246.1, NM_001371247.1 and 1 more transcripts); short protein forms C1052Y.
Identifiers: ClinVar variation 2123189 (VCV002123189.4), dbSNP rs2468036187, ClinGen allele CA349020805.
Genomic context (GRCh38, chr2:165,354,427, plus strand): 5'-AGCAGAAAGCTTTAGATGAAATTAAACCGCTTGAAGATCTAAATAATAAAAAAGACAGCT[G>A]TATTTCCAACCATACCACCATAGAAATAGGCAAAGACCTCAATTATCTCAAAGACGGAAA-3'
Protein context (NP_001035232.1, residues 1042-1062): LEDLNNKKDS[Cys1052Tyr]ISNHTTIEIG

ClinVar aggregate classification (germline): Uncertain significance (1 of 4 stars; one submission).

Conditions:
Seizures, benign familial infantile, 3 (BFIS3). Also called: CONVULSIONS, BENIGN FAMILIAL INFANTILE, 3; Familial neonatal seizures. Identifiers: Orphanet 140927, Orphanet 306, MedGen C1843140, MONDO:0011904, OMIM 607745.
Developmental and epileptic encephalopathy, 11 (DEE11). Also called: Early infantile epileptic encephalopathy 11. Identifiers: Orphanet 1934, MedGen C3150987, MONDO:0013388, OMIM 613721.

Submission:

Labcorp Genetics (formerly Invitae), Labcorp
Classification: Uncertain significance for Seizures, benign familial infantile, 3; Developmental and epileptic encephalopathy, 11. Last evaluated: 2022-04-08. Review status: criteria provided, single submitter. Criteria: Invitae Variant Classification Sherloc (09022015). Collection method: clinical testing. Allele origin: germline.
Comment: This sequence change replaces cysteine, which is neutral and slightly polar, with tyrosine, which is neutral and polar, at codon 1052 of the SCN2A protein (p.Cys1052Tyr). This variant is not present in population databases (gnomAD no frequency). This variant has not been reported in the literature in individuals affected with SCN2A-related conditions. Algorithms developed to predict the effect of missense changes on protein structure and function (SIFT, PolyPhen-2, Align-GVGD) all suggest that this variant is likely to be tolerated. In summary, the available evidence is currently insufficient to determine the role of this variant in disease. Therefore, it has been classified as a Variant of Uncertain Significance.